The following is an entry in ClinVar:

ClinVar aggregate classification (germline): Uncertain significance (0 of 4 stars; one submission).

Allele frequency attached by ClinVar (database versions not stated): ExAC 0.00016.

Submission:

Richard Lifton Laboratory, Yale University School of Medicine
Classification: Uncertain significance. Review status: no assertion criteria provided. Collection method: not provided. Allele origin: somatic.
Comment: GCLM
ClinVar note: Converted during submission from unknown to Uncertain significance.

NM_002061.4(GCLM):c.748T>G (p.Tyr250Asp)

Gene: GCLM (glutamate-cysteine ligase modifier subunit; minus strand). Cytogenetic location: 1p22.1.
Variant type: single nucleotide variant.
Coding change: c.748T>G on transcript NM_002061.4 (MANE Select); coding-DNA position 748, T replaced by G.
Protein change: p.Tyr250Asp; replaces tyrosine 250 with aspartic acid.
Molecular consequence: missense variant.
Genome position (GRCh38, 1-based): chr1:93,889,067, A>C on the plus strand (T>G on the coding strand, the complement: GCLM is on the minus strand). VCF-style: chr1-93889067-A-C. GRCh37 (hg19) VCF-style: chr1-94354623-A-C.
Other names: c.682T>G, p.Tyr228Asp (NM_001308253.2); short protein forms Y250D, Y228D.
Identifiers: ClinVar variation 91938 (VCV000091938.2), dbSNP rs386352307, ClinGen allele CA232202.